The following is an entry in ClinVar:

NM_000199.5(SGSH):c.182G>T (p.Arg61Leu)

Gene: SGSH (N-sulfoglucosamine sulfohydrolase; minus strand). Cytogenetic location: 17q25.3.
Variant type: single nucleotide variant.
Coding change: c.182G>T on transcript NM_000199.5 (MANE Select); coding-DNA position 182, G replaced by T.
Protein change: p.Arg61Leu; replaces arginine 61 with leucine.
Molecular consequence: missense variant. On other transcripts: non-coding transcript variant (1).
Genome position (GRCh38, 1-based): chr17:80,217,099, C>A on the plus strand (G>T on the coding strand, the complement: SGSH is on the minus strand). VCF-style: chr17-80217099-C-A. GRCh37 (hg19) VCF-style: chr17-78190898-C-A.
Other names: c.182G>T, p.Arg61Leu (NM_001352921.3, NM_001352922.2); short protein forms R61L.
Identifiers: ClinVar variation 2148098 (VCV002148098.1), dbSNP rs573342437, ClinGen allele CA8818147.

ClinVar aggregate classification (germline): Uncertain significance (1 of 4 stars; one submission).

Conditions:
Mucopolysaccharidosis, MPS-III-A (MPS3A). Also called: HEPARAN SULFATE SULFATASE DEFICIENCY; SANFILIPPO SYNDROME A; SULFAMIDASE DEFICIENCY; MPS III A; Mucopolysaccharidosis, type IIIA; MUCOPOLYSACCHARIDOSIS, TYPE IIIA, ATTENUATED. Identifiers: Orphanet 581, Orphanet 79269, MedGen C0086647, MONDO:0009655, OMIM 252900.

gnomAD v4.1: 3 of 1,604,604 alleles (0.00019%); highest among the groups gnomAD compares: Non-Finnish European, 0.00025%; no homozygotes.

Submission:

Labcorp Genetics (formerly Invitae), Labcorp
Classification: Uncertain significance for Mucopolysaccharidosis, MPS-III-A. Last evaluated: 2022-01-27. Review status: criteria provided, single submitter. Criteria: Invitae Variant Classification Sherloc (09022015). Collection method: clinical testing. Allele origin: germline.
Comment: This sequence change replaces arginine, which is basic and polar, with leucine, which is neutral and non-polar, at codon 61 of the SGSH protein (p.Arg61Leu). The frequency data for this variant in the population databases is considered unreliable, as metrics indicate poor data quality at this position in the gnomAD database. This variant has not been reported in the literature in individuals affected with SGSH-related conditions. Algorithms developed to predict the effect of missense changes on protein structure and function (SIFT, PolyPhen-2, Align-GVGD) all suggest that this variant is likely to be tolerated. In summary, the available evidence is currently insufficient to determine the role of this variant in disease. Therefore, it has been classified as a Variant of Uncertain Significance.